The following is an entry in ClinVar:

ClinVar aggregate classification (germline): Uncertain significance (1 of 4 stars; one submission).

gnomAD v4.1: 4 of 1,161,128 alleles (0.00034%); highest among the groups gnomAD compares: African/African-American, 0.0033%; no homozygotes.

Submission:

CeGaT Center for Human Genetics Tuebingen
Classification: Uncertain significance. Last evaluated: 2024-12-01. Review status: criteria provided, single submitter. Criteria: CeGaT Center For Human Genetics Tuebingen Variant Classification Criteria Version 2. Collection method: clinical testing. Allele origin: germline. Affected: yes. Observed: 1 variant allele.
Comment: TBX2: PS2:Supporting

NM_005994.4(TBX2):c.22G>A (p.Ala8Thr)

Gene: TBX2 (T-box transcription factor 2; plus strand). Cytogenetic location: 17q23.2.
Variant type: single nucleotide variant.
Coding change: c.22G>A on transcript NM_005994.4 (MANE Select); coding-DNA position 22, G replaced by A.
Protein change: p.Ala8Thr; replaces alanine 8 with threonine.
Molecular consequence: missense variant.
Genome position (GRCh38, 1-based): chr17:61,400,198, G>A. VCF-style: chr17-61400198-G-A. GRCh37 (hg19) VCF-style: chr17-59477559-G-A.
Other names: short protein forms A8T.
Identifiers: ClinVar variation 3772050 (VCV003772050.13).